The following is an entry in ClinVar:

NM_001205293.3(CACNA1E):c.188T>G (p.Phe63Cys)

Gene: CACNA1E (calcium voltage-gated channel subunit alpha1 E; plus strand). Cytogenetic location: 1q25.3.
Variant type: single nucleotide variant.
Coding change: c.188T>G on transcript NM_001205293.3 (MANE Select); coding-DNA position 188, T replaced by G.
Protein change: p.Phe63Cys; replaces phenylalanine 63 with cysteine.
Molecular consequence: missense variant.
Genome position (GRCh38, 1-based): chr1:181,483,932, T>G. VCF-style: chr1-181483932-T-G. GRCh37 (hg19) VCF-style: chr1-181453068-T-G.
Other names: c.188T>G, p.Phe63Cys (NM_000721.4, NM_001205294.2); short protein forms F63C.
Identifiers: ClinVar variation 2096779 (VCV002096779.4), dbSNP rs2526277920, ClinGen allele CA343844531.

ClinVar aggregate classification (germline): Uncertain significance (1 of 4 stars; one submission).

Submission:

Labcorp Genetics (formerly Invitae), Labcorp
Classification: Uncertain significance. Last evaluated: 2022-08-15. Review status: criteria provided, single submitter. Criteria: Invitae Variant Classification Sherloc (09022015). Collection method: clinical testing. Allele origin: germline.
Comment: In summary, the available evidence is currently insufficient to determine the role of this variant in disease. Therefore, it has been classified as a Variant of Uncertain Significance. Algorithms developed to predict the effect of missense changes on protein structure and function are either unavailable or do not agree on the potential impact of this missense change (SIFT: "Deleterious"; PolyPhen-2: "Possibly Damaging"; Align-GVGD: "Class C0"). This sequence change replaces phenylalanine, which is neutral and non-polar, with cysteine, which is neutral and slightly polar, at codon 63 of the CACNA1E protein (p.Phe63Cys). This variant is not present in population databases (gnomAD no frequency). This variant has not been reported in the literature in individuals affected with CACNA1E-related conditions.